The following is an entry in ClinVar:

ClinVar aggregate classification (germline): Uncertain significance (0 of 4 stars; one submission).

Allele frequency attached by ClinVar (database versions not stated): gnomAD exomes below 0.00001.
gnomAD v4.1: 5 of 1,613,764 alleles (0.00031%); highest among the groups gnomAD compares: South Asian, 0.0055%; no homozygotes.

Submission:

Department of Pathology and Laboratory Medicine, Sinai Health System
Classification: Uncertain significance. Review status: no assertion criteria provided. Collection method: clinical testing. Allele origin: unknown. Affected: yes. Study: The Canadian Open Genetics Repository (COGR).
Comment: The AP1B1 p.S427I variant was not identified in the literature nor was it identified in Clinvar. The variant was identified in dbSNP (ID: rs1183324698) and in control databases in 1 of 249838 chromosomes at a frequency of 0.000004003 (Genome Aggregation Database March 6, 2019, v2.1.1). The p.S427 residue is conserved in mammals and more distantly related organisms however computational analyses (MUT Assesor, SIFT, MutationTaster, Revel, FATHMM, MetaLR, DANN) provide inconsistent predictions regarding the impact to the protein; this information is not very predictive of pathogenicity. The variant occurs outside of the splicing consensus sequence and in silico or computational prediction software programs (Splice AI exome) do not predict a deleterious effect on splicing. In summary, based on the above information the clinical significance of this variant cannot be determined with certainty at this time. This variant is classified as a variant of uncertain significance.

NM_001127.4(AP1B1):c.1280G>T (p.Ser427Ile)

Gene: AP1B1 (adaptor related protein complex 1 subunit beta 1; minus strand). Cytogenetic location: 22q12.2.
Variant type: single nucleotide variant.
Coding change: c.1280G>T on transcript NM_001127.4 (MANE Select); coding-DNA position 1280, G replaced by T.
Protein change: p.Ser427Ile; replaces serine 427 with isoleucine.
Molecular consequence: missense variant.
Genome position (GRCh38, 1-based): chr22:29,349,375, C>A on the plus strand (G>T on the coding strand, the complement: AP1B1 is on the minus strand). VCF-style: chr22-29349375-C-A. GRCh37 (hg19) VCF-style: chr22-29745364-C-A.
Other names: c.1280G>T, p.Ser427Ile (NM_001166019.2, NM_001378562.1, NM_001378563.1 and 2 more transcripts); c.1109G>T, p.Ser370Ile (NM_001378564.1, NM_001378565.1); short protein forms S370I, S427I.
Identifiers: ClinVar variation 1049300 (VCV001049300.1), dbSNP rs1183324698, ClinGen allele CA411125549.